The following is an entry in ClinVar:

NM_006306.4(SMC1A):c.3671C>A (p.Pro1224Gln)

Gene: SMC1A (structural maintenance of chromosomes 1A; minus strand). Cytogenetic location: Xp11.22.
Variant type: single nucleotide variant.
Coding change: c.3671C>A on transcript NM_006306.4 (MANE Select); coding-DNA position 3671, C replaced by A.
Protein change: p.Pro1224Gln; replaces proline 1224 with glutamine.
Molecular consequence: missense variant.
Genome position (GRCh38, 1-based): chrX:53,380,134, G>T on the plus strand (C>A on the coding strand, the complement: SMC1A is on the minus strand). VCF-style: chrX-53380134-G-T. GRCh37 (hg19) VCF-style: chrX-53407055-G-T.
Other names: c.3605C>A, p.Pro1202Gln (NM_001281463.1); short protein forms P1202Q, P1224Q.
Identifiers: ClinVar variation 1809933 (VCV001809933.3), dbSNP rs2520809740, ClinGen allele CA413241511.

ClinVar aggregate classification (germline): Uncertain significance. Review status: criteria provided, multiple submitters, no conflicts (2 of 4 stars). 2 submissions from 2 submitters: Uncertain significance (2). Last evaluated 2024-11-18.

Conditions:
Congenital muscular hypertrophy-cerebral syndrome (CDLS2). Also called: Cornelia de Lange syndrome 2; SMC1A-Related Cornelia de Lange Syndrome. Identifiers: Orphanet 199, MedGen C1802395, MONDO:0010370, OMIM 300590.

Allele frequency attached by ClinVar (database versions not stated): gnomAD exomes below 0.00001.
gnomAD v4.1: 3 of 1,209,010 alleles (0.00025%); highest among the groups gnomAD compares: Non-Finnish European, 0.00034%; no homozygotes.

Submissions (2):

Labcorp Genetics (formerly Invitae), Labcorp
Classification: Uncertain significance for Congenital muscular hypertrophy-cerebral syndrome. Last evaluated: 2024-11-18. Review status: criteria provided, single submitter. Criteria: Invitae Variant Classification Sherloc (09022015). Collection method: clinical testing. Allele origin: germline.
Comment: This sequence change replaces proline, which is neutral and non-polar, with glutamine, which is neutral and polar, at codon 1224 of the SMC1A protein (p.Pro1224Gln). This variant is not present in population databases (gnomAD no frequency). This variant has not been reported in the literature in individuals affected with SMC1A-related conditions. ClinVar contains an entry for this variant (Variation ID: 1809933). An algorithm developed to predict the effect of missense changes on protein structure and function (PolyPhen-2) suggests that this variant is likely to be tolerated. In summary, the available evidence is currently insufficient to determine the role of this variant in disease. Therefore, it has been classified as a Variant of Uncertain Significance.

GeneDx
Classification: Uncertain significance. Last evaluated: 2022-07-01. Review status: criteria provided, single submitter. Criteria: GeneDx Variant Classification Process June 2021. Collection method: clinical testing. Allele origin: germline. Affected: yes.
Comment: Not observed at significant frequency in large population cohorts (gnomAD); Missense variants in this gene are often considered pathogenic (HGMD); In silico analysis supports that this missense variant has a deleterious effect on protein structure/function; Has not been previously published as pathogenic or benign to our knowledge